The following is an entry in ClinVar:

NM_001256545.2(MEGF10):c.3215_3216delinsAC (p.Arg1072Asn)

Gene: MEGF10 (multiple EGF like domains 10; plus strand). Cytogenetic location: 5q23.2.
Variant type: Indel.
Coding change: c.3215_3216delinsAC on transcript NM_001256545.2 (MANE Select); coding-DNA positions 3215 to 3216, GG replaced by AC.
Protein change: p.Arg1072Asn; replaces arginine 1072 with asparagine.
Molecular consequence: missense variant.
Genome position (GRCh38, 1-based): chr5:127,455,590-127,455,591, GG replaced by AC. VCF-style: chr5-127455590-GG-AC. GRCh37 (hg19) VCF-style: chr5-126791282-GG-AC.
Other names: c.3215_3216delinsAC, p.Arg1072Asn (NM_032446.3); c.3215_3216delinsAC (NM_032446.2); short protein forms R1072N.
Identifiers: ClinVar variation 472742 (VCV000472742.21), dbSNP rs386692223, ClinGen allele CA126952487.
Genomic context (GRCh38, chr5:127,455,590, plus strand): 5'-AATCGCCGGCACGAAGAGATTCCCCATATGCAGAGATCAATAACTCAACTTCAGCCAACA[GG>AC]AATGTCTATGAAGTTGGTGAGTTCCCTTAACCATAGAAAGAACCGAGTGCTTAAGTTTTT-3'
Protein context (NP_001243474.1, residues 1062-1082): AEINNSTSAN[Arg1072Asn]NVYEVEPTVS

ClinVar aggregate classification (germline): Conflicting classifications of pathogenicity. Review status: criteria provided, conflicting classifications (1 of 4 stars). 4 submissions from 4 submitters: Uncertain significance (1); Likely benign (3). Last evaluated 2026-01-06.

Conditions:
MEGF10-related myopathy (CMYO10A). Also called: Congenital myopathy 10A, severe variant. Identifiers: Orphanet 439212, MedGen C3280679, MONDO:0013731, OMIM 614399.

Submissions (4):

Labcorp Genetics (formerly Invitae), Labcorp
Classification: Likely benign for MEGF10-related myopathy. Last evaluated: 2026-01-06. Review status: criteria provided, single submitter. Criteria: Invitae Variant Classification Sherloc (09022015). Collection method: clinical testing. Allele origin: germline.

Women's Health and Genetics/Laboratory Corporation of America, LabCorp
Classification: Likely benign. Last evaluated: 2025-07-21. Review status: criteria provided, single submitter. Criteria: LabCorp Variant Classification Summary - May 2015. Collection method: clinical testing. Allele origin: germline.
Comment: Variant summary: MEGF10 c.3215_3216delinsAC (p.Arg1072Asn) results in a non-conservative amino acid change in the encoded protein sequence. Algorithms developed to predict the effect of missense changes on protein structure and function are either unavailable or do not agree on the potential impact of this missense change. The variant allele was found at a frequency of 0.00052 in 282032 control chromosomes, predominantly at a frequency of 0.0055 within the African or African-American subpopulation in the gnomAD database. The observed variant frequency within African or African-American control individuals in the gnomAD database exceeds the estimated maximal expected allele frequency for a pathogenic variant in MEGF10 causing MEGF10-Related Myopathy phenotype. To our knowledge, no occurrence of c.3215_3216delinsAC in individuals affected with MEGF10-Related Myopathy and no experimental evidence demonstrating its impact on protein function have been reported. ClinVar contains an entry for this variant (Variation ID: 472742). Based on the evidence outlined above, the variant was classified as likely benign.

Mayo Clinic Laboratories, Mayo Clinic
Classification: Uncertain significance. Last evaluated: 2022-05-02. Review status: criteria provided, single submitter. Criteria: ACMG Guidelines, 2015. Collection method: clinical testing. Allele origin: germline. Observed: 2 variant alleles.

GeneDx
Classification: Likely benign. Last evaluated: 2020-05-21. Review status: criteria provided, single submitter. Criteria: GeneDx Variant Classification Process June 2021. Collection method: clinical testing. Allele origin: germline. Affected: yes.